The following is an entry in ClinVar:

ClinVar aggregate classification (germline): Uncertain significance (1 of 4 stars; one submission).

Conditions:
SEMA3D-related disorder. Also called: SEMA3D-related condition.

gnomAD v4.1: 4 of 1,609,642 alleles (0.00025%); highest among the groups gnomAD compares: African/African-American, 0.0054%; no homozygotes.

Submission:

PreventionGenetics, part of Exact Sciences
Classification: Uncertain significance for SEMA3D-related condition. Last evaluated: 2026-07-11. Review status: criteria provided, single submitter. Criteria: ACMG Guidelines, 2015. Collection method: clinical testing. Allele origin: germline.
Comment: The SEMA3D c.1786G>T variant is predicted to result in the amino acid substitution p.Ala596Ser. To our knowledge, this variant has not been reported in the literature or in a large population database (gnomAD), indicating this variant is rare. At this time, the clinical significance of this variant is uncertain due to the absence of conclusive functional and genetic evidence.

NM_001384900.1(SEMA3D):c.1786G>T (p.Ala596Ser)

Gene: SEMA3D (semaphorin 3D; minus strand). Cytogenetic location: 7q21.11.
Variant type: single nucleotide variant.
Coding change: c.1786G>T on transcript NM_001384900.1 (MANE Select); coding-DNA position 1786, G replaced by T.
Protein change: p.Ala596Ser; replaces alanine 596 with serine.
Molecular consequence: missense variant.
Genome position (GRCh38, 1-based): chr7:85,006,924, C>A on the plus strand (G>T on the coding strand, the complement: SEMA3D is on the minus strand). VCF-style: chr7-85006924-C-A. GRCh37 (hg19) VCF-style: chr7-84636240-C-A.
Other names: c.1786G>T, p.Ala596Ser (NM_001384901.1, NM_001384902.1, NM_001384903.1 and 1 more transcripts); short protein forms A596S.
Identifiers: ClinVar variation 4983017 (VCV004983017.1).